The following is an entry in ClinVar:

NM_000051.4(ATM):c.2915C>T (p.Pro972Leu)

Gene: ATM (ATM serine/threonine kinase; plus strand). Cytogenetic location: 11q22.3.
Variant type: single nucleotide variant.
Coding change: c.2915C>T on transcript NM_000051.4 (MANE Select); coding-DNA position 2915, C replaced by T.
Protein change: p.Pro972Leu; replaces proline 972 with leucine.
Molecular consequence: missense variant.
Genome position (GRCh38, 1-based): chr11:108,271,140, C>T. VCF-style: chr11-108271140-C-T. GRCh37 (hg19) VCF-style: chr11-108141867-C-T.
Other names: c.2915C>T, p.Pro972Leu (NM_001351834.2); c.2915C>T (NM_000051.2); short protein forms P972L.
Identifiers: ClinVar variation 407589 (VCV000407589.26), dbSNP rs750093937, ClinGen allele CA6265136.
Genomic context (GRCh38, chr11:108,271,140, plus strand): 5'-AGGAGCTTCCTGGAGAAGAGTACCCCTTGCCAATGGAAGATGTTCTTGAACTTCTGAAAC[C>T]ACTATCGTAAGAAATTAAAACCTTATGTTATGTTCACTTTAAAGTTATAAAATAACTGAT-3'
Protein context (NP_000042.3, residues 962-982): PMEDVLELLK[Pro972Leu]LSNVCSLYRR

ClinVar aggregate classification (germline): Uncertain significance. Review status: criteria provided, multiple submitters, no conflicts (2 of 4 stars). 6 submissions from 6 submitters: Uncertain significance (6). Last evaluated 2025-06-25.

Conditions:
Hereditary cancer-predisposing syndrome. Also called: Hereditary neoplastic syndrome; Neoplastic Syndromes, Hereditary; Tumor predisposition; Hereditary Cancer Syndrome. Identifiers: Orphanet 140162, MedGen C0027672, MeSH D009386, MONDO:0015356.
Familial colorectal cancer type X. Identifiers: Orphanet 440437, MedGen C3896578, MONDO:0018604.
Ataxia-telangiectasia syndrome (AT). Also called: Ataxia telangiectasia (A-T); LOUIS-BAR SYNDROME; Cerebello-oculocutaneous telangiectasia; Immunodeficiency with ataxia telangiectasia; Ataxia-telangiectasia, complementation group D; AT, COMPLEMENTATION GROUP C. Identifiers: Orphanet 100, MedGen C0004135, MONDO:0008840, OMIM 208900.

Allele frequency attached by ClinVar (database versions not stated): gnomAD exomes below 0.00001 and 0.00001; gnomAD 0.00001; TOPMed 0.00001; ExAC 0.00002.
gnomAD v4.1: 2 of 1,613,700 alleles (0.00012%); highest among the groups gnomAD compares: Non-Finnish European, 0.00017%; no homozygotes.

Submissions (6):

Ambry Genetics
Classification: Uncertain significance for Hereditary cancer-predisposing syndrome. Last evaluated: 2025-06-25. Review status: criteria provided, single submitter. Criteria: Ambry Variant Classification Scheme 2023. Collection method: clinical testing. Allele origin: germline.
Comment: The p.P972L variant (also known as c.2915C>T), located in coding exon 18 of the ATM gene, results from a C to T substitution at nucleotide position 2915. The proline at codon 972 is replaced by leucine, an amino acid with similar properties. This variant was reported in 1 of 701 Brazilian individuals with features consistent with a hereditary breast and/or ovarian cancer syndrome (Faria JP et al. Breast Cancer Res Treat, 2024 Oct;207:615-624). This amino acid position is highly conserved in available vertebrate species. In addition, this alteration is predicted to be deleterious by in silico analysis. Based on the available evidence, the clinical significance of this variant remains unclear.

Labcorp Genetics (formerly Invitae), Labcorp
Classification: Uncertain significance for Ataxia-telangiectasia syndrome. Last evaluated: 2025-03-19. Review status: criteria provided, single submitter. Criteria: Invitae Variant Classification Sherloc (09022015). Collection method: clinical testing. Allele origin: germline.
Comment: This sequence change replaces proline, which is neutral and non-polar, with leucine, which is neutral and non-polar, at codon 972 of the ATM protein (p.Pro972Leu). This variant is present in population databases (rs750093937, gnomAD 0.002%). This variant has not been reported in the literature in individuals affected with ATM-related conditions. ClinVar contains an entry for this variant (Variation ID: 407589). Invitae Evidence Modeling of protein sequence and biophysical properties (such as structural, functional, and spatial information, amino acid conservation, physicochemical variation, residue mobility, and thermodynamic stability) indicates that this missense variant is not expected to disrupt ATM protein function with a negative predictive value of 95%. In summary, the available evidence is currently insufficient to determine the role of this variant in disease. Therefore, it has been classified as a Variant of Uncertain Significance.

Color Diagnostics, LLC DBA Color Health
Classification: Uncertain significance for Hereditary cancer-predisposing syndrome. Last evaluated: 2023-12-04. Review status: criteria provided, single submitter. Criteria: ACMG Guidelines, 2015. Collection method: clinical testing. Allele origin: germline.
Comment: This missense variant replaces proline with leucine at codon 972 of the ATM protein. Computational prediction suggests that this variant may not impact protein structure and function (internally defined REVEL score threshold <= 0.5, PMID: 27666373). To our knowledge, functional studies have not been reported for this variant. This variant has not been reported in individuals affected with ATM-related disorders in the literature. This variant has been identified in 2/251344 chromosomes in the general population by the Genome Aggregation Database (gnomAD). The available evidence is insufficient to determine the role of this variant in disease conclusively. Therefore, this variant is classified as a Variant of Uncertain Significance.

Institute for Biomarker Research, Medical Diagnostic Laboratories, L.L.C.
Classification: Uncertain significance for Hereditary cancer-predisposing syndrome. Last evaluated: 2023-09-26. Review status: criteria provided, single submitter. Criteria: ACMG Guidelines, 2015. Collection method: clinical testing. Allele origin: germline.

Department of Pathology and Laboratory Medicine, Sinai Health System
Classification: Uncertain significance for Familial colorectal cancer type X. Last evaluated: 2023-04-24. Review status: criteria provided, single submitter. Criteria: ACMG Guidelines, 2015. Collection method: clinical testing. Allele origin: germline. Affected: yes.

GeneDx
Classification: Uncertain significance. Last evaluated: 2019-10-11. Review status: criteria provided, single submitter. Criteria: GeneDx Variant Classification Process June 2021. Collection method: clinical testing. Allele origin: germline. Affected: yes.
Comment: Not observed at a significant frequency in large population cohorts (Lek 2016); In silico analysis, which includes protein predictors and evolutionary conservation, supports a deleterious effect; Has not been previously published as pathogenic or benign to our knowledge

Literature cited by the submitters: PubMed 38874686 (cited by Ambry Genetics).